The following is an entry in ClinVar:

NM_007294.4(BRCA1):c.5249dup (p.Arg1751fs)

Gene: BRCA1 (BRCA1 DNA repair associated; minus strand). Cytogenetic location: 17q21.31.
Variant type: Duplication.
Coding change: c.5249dup on transcript NM_007294.4 (MANE Select); coding-DNA position 5249, one base duplicated (A; older notation c.5249dupA).
Protein change: p.Arg1751fs; shifts the reading frame from arginine 1751.
Molecular consequence: frameshift variant. On other transcripts: non-coding transcript variant (1).
Genome position (GRCh38, 1-based): chr17:43,057,080, T duplicated on the plus strand (A on the coding strand, the reverse complement: BRCA1 is on the minus strand); the first of 3 consecutive T bases (chr17:43,057,080-43,057,082); duplicating any one gives the same sequence. VCF-style (leftmost placement, unchanged base first): chr17-43057079-C-CT. GRCh37 (hg19) VCF-style: chr17-41209096-C-CT.
Other names: c.5249dupA (NM_007294.3); c.5034dup, p.Arg1680Alafs (NM_001407571.1, NM_001407894.1, NM_001407895.1 and 12 more transcripts); c.5313dup, p.Arg1773Alafs (NM_001407581.1, NM_001407582.1); c.5310dup, p.Arg1772Alafs (NM_001407583.1, NM_001407585.1, NM_001407587.1); c.5307dup, p.Arg1771Alafs (NM_001407590.1, NM_001407591.1); c.5247dup, p.Arg1751Alafs (NM_001407593.1, NM_001407594.1, NM_001407596.1 and 7 more transcripts); c.4863dup, p.Arg1623Alafs (NM_001407960.1, NM_001407962.1); c.4860dup, p.Arg1622Alafs (NM_001407963.1); and 76 more; short protein forms R1772fs, R647fs, R1704fs, R1751fs.
Identifiers: ClinVar variation 548260 (VCV000548260.4), dbSNP rs879253993, ClinGen allele CA645373152.

ClinVar aggregate classification (germline): Pathogenic. Review status: reviewed by expert panel (3 of 4 stars). 3 submissions from 3 submitters: Pathogenic (1). 2 of the submissions do not count toward it. Last evaluated 2017-12-15.

Conditions:
Breast-ovarian cancer, familial, susceptibility to, 1 (BROVCA1). Also called: BRCA1 Hereditary Breast and Ovarian Cancer; OVARIAN CANCER, SUSCEPTIBILITY TO. Identifiers: Orphanet 145, MedGen C2676676, MONDO:0011450, OMIM 604370. Disease mechanism: loss of function.
Hereditary cancer-predisposing syndrome. Also called: Tumor predisposition; Neoplastic Syndromes, Hereditary; Hereditary Cancer Syndrome; Hereditary neoplastic syndrome. Identifiers: Orphanet 140162, MedGen C0027672, MeSH D009386, MONDO:0015356.
Hereditary breast ovarian cancer syndrome. Also called: Hereditary breast and ovarian cancer; Hereditary breast and ovarian cancer syndrome; Hereditary breast and ovarian cancer syndrome (HBOC); Breast and ovarian cancer; BRCA1- and BRCA2-Associated Hereditary Breast and Ovarian Cancer; Hereditary breast and/or ovarian cancer syndrome. Identifiers: Orphanet 145, MedGen C0677776, MeSH D061325, MONDO:0003582. Disease mechanism: loss of function.

Submissions (3):

Evidence-based Network for the Interpretation of Germline Mutant Alleles (ENIGMA)
Classification: Pathogenic for Breast-ovarian cancer, familial, susceptibility to, 1. Last evaluated: 2017-12-15. Review status: reviewed by expert panel. Criteria: ENIGMA BRCA1/2 Classification Criteria (2017-06-29). Collection method: curation. Allele origin: germline. Study: ENIGMA.
Comment: Variant allele predicted to encode a truncated non-functional protein.

Ambry Genetics
Classification: Pathogenic for Hereditary cancer-predisposing syndrome. Last evaluated: 2023-01-30. Review status: criteria provided, single submitter. Criteria: Ambry Variant Classification Scheme 2023. Collection method: clinical testing. Allele origin: germline. Not counted in ClinVar's aggregate classification.
Comment: The c.5249dupA pathogenic mutation, located in coding exon 18 of the BRCA1 gene, results from a duplication of A at nucleotide position 5249, causing a translational frameshift with a predicted alternate stop codon (p.R1751Afs*79). This alteration occurs at the 3' terminus of theBRCA1 gene, is not expected to trigger nonsense-mediated mRNA decay, and only impacts the last 114 amino acids of the protein. However, premature stop codons are typically deleterious in nature and the impacted region is critical for protein function (Ambry internal data). This variant is considered to be rare based on population cohorts in the Genome Aggregation Database (gnomAD). Based on the supporting evidence, this alteration is interpreted as a disease-causing mutation.

Research Molecular Genetics Laboratory, Women's College Hospital, University of Toronto
Classification: Pathogenic for Hereditary breast ovarian cancer syndrome. Last evaluated: 2014-01-31. Review status: no assertion criteria provided. Collection method: research. Allele origin: germline. Affected: yes. Study: The Canadian Open Genetics Repository (COGR). Not counted in ClinVar's aggregate classification.